The following is an entry in ClinVar:

NM_006206.6(PDGFRA):c.1780G>A (p.Val594Met)

Gene: PDGFRA (platelet derived growth factor receptor alpha; plus strand). Cytogenetic location: 4q12.
Variant type: single nucleotide variant.
Coding change: c.1780G>A on transcript NM_006206.6 (MANE Select); coding-DNA position 1780, G replaced by A.
Protein change: p.Val594Met; replaces valine 594 with methionine.
Molecular consequence: missense variant.
Genome position (GRCh38, 1-based): chr4:54,274,967, G>A. VCF-style: chr4-54274967-G-A. GRCh37 (hg19) VCF-style: chr4-55141134-G-A.
Other names: c.1780G>A, p.Val594Met (NM_001347827.2, NM_001347829.2); c.1855G>A, p.Val619Met (NM_001347828.2); c.1819G>A, p.Val607Met (NM_001347830.2); c.1780G>A (NM_006206.4); short protein forms V619M, V594M, V607M.
Identifiers: ClinVar variation 1519216 (VCV001519216.7), dbSNP rs2110300821, ClinGen allele CA356893299.
Genomic context (GRCh38, chr4:54,274,967, plus strand): 5'-TATGTGGACCCGATGCAGCTGCCTTATGACTCAAGATGGGAGTTTCCAAGAGATGGACTA[G>A]TGCTTGGTAAGTTCCATGGGGTAACCTCCCAAGACTCCCTTTTCCCTTGCACACAACTTT-3'
Protein context (NP_006197.1, residues 584-604): SRWEFPRDGL[Val594Met]LGRVLGSGAF

ClinVar aggregate classification (germline): Uncertain significance. Review status: criteria provided, multiple submitters, no conflicts (2 of 4 stars). 2 submissions from 2 submitters: Uncertain significance (2). Last evaluated 2025-09-12.

Conditions:
Hereditary cancer-predisposing syndrome. Also called: Tumor predisposition; Neoplastic Syndromes, Hereditary; Hereditary Cancer Syndrome; Hereditary neoplastic syndrome. Identifiers: Orphanet 140162, MedGen C0027672, MeSH D009386, MONDO:0015356.
Gastrointestinal stromal tumor. Also called: Gastrointestinal stromal tumor, somatic; Gastrointestinal stroma tumor. Identifiers: Orphanet 44890, MedGen C0238198, MeSH D046152, MONDO:0011719, OMIM 606764, HP:0100723.

Submissions (2):

Ambry Genetics
Classification: Uncertain significance for Hereditary cancer-predisposing syndrome. Last evaluated: 2025-09-12. Review status: criteria provided, single submitter. Criteria: Ambry Variant Classification Scheme 2023. Collection method: clinical testing. Allele origin: germline.
Comment: The p.V594M variant (also known as c.1780G>A), located in coding exon 11 of the PDGFRA gene, results from a G to A substitution at nucleotide position 1780. The valine at codon 594 is replaced by methionine, an amino acid with highly similar properties. This amino acid position is conserved. In addition, the in silico prediction for this alteration is inconclusive. Based on the available evidence, the clinical significance of this variant remains unclear.

Labcorp Genetics (formerly Invitae), Labcorp
Classification: Uncertain significance for Gastrointestinal stromal tumor. Last evaluated: 2021-11-23. Review status: criteria provided, single submitter. Criteria: Invitae Variant Classification Sherloc (09022015). Collection method: clinical testing. Allele origin: germline.
Comment: In summary, the available evidence is currently insufficient to determine the role of this variant in disease. Therefore, it has been classified as a Variant of Uncertain Significance. Algorithms developed to predict the effect of missense changes on protein structure and function are either unavailable or do not agree on the potential impact of this missense change (SIFT: "Tolerated"; PolyPhen-2: "Probably Damaging"; Align-GVGD: "Class C0"). This variant has not been reported in the literature in individuals affected with PDGFRA-related conditions. This variant is not present in population databases (gnomAD no frequency). This sequence change replaces valine, which is neutral and non-polar, with methionine, which is neutral and non-polar, at codon 594 of the PDGFRA protein (p.Val594Met).